The following is an entry in ClinVar:

ClinVar aggregate classification (germline): Uncertain significance (1 of 4 stars; one submission).

gnomAD v4.1: 2 of 1,614,182 alleles (0.00012%); highest among the groups gnomAD compares: South Asian, 0.0011%; no homozygotes.

Submission:

Labcorp Genetics (formerly Invitae), Labcorp
Classification: Uncertain significance. Last evaluated: 2025-09-01. Review status: criteria provided, single submitter. Criteria: Invitae Variant Classification Sherloc (09022015). Collection method: clinical testing. Allele origin: germline.
Comment: This sequence change replaces histidine, which is basic and polar, with arginine, which is basic and polar, at codon 723 of the NIN protein (p.His723Arg). This variant is not present in population databases (gnomAD no frequency). This variant has not been reported in the literature in individuals affected with NIN-related conditions. An algorithm developed to predict the effect of missense changes on protein structure and function (PolyPhen-2) suggests that this variant is likely to be disruptive. In summary, the available evidence is currently insufficient to determine the role of this variant in disease. Therefore, it has been classified as a Variant of Uncertain Significance.

NM_020921.4(NIN):c.2168A>G (p.His723Arg)

Gene: NIN (ninein; minus strand). Cytogenetic location: 14q22.1.
Variant type: single nucleotide variant.
Coding change: c.2168A>G on transcript NM_020921.4 (MANE Select); coding-DNA position 2168, A replaced by G.
Protein change: p.His723Arg; replaces histidine 723 with arginine.
Molecular consequence: missense variant.
Genome position (GRCh38, 1-based): chr14:50,760,088, T>C on the plus strand (A>G on the coding strand, the complement: NIN is on the minus strand). VCF-style: chr14-50760088-T-C. GRCh37 (hg19) VCF-style: chr14-51226806-T-C.
Other names: c.2168A>G, p.His723Arg (NM_016350.5, NM_182944.3, NM_182946.2); short protein forms H723R.
Identifiers: ClinVar variation 4770712 (VCV004770712.1).